The following is an entry in ClinVar:

NM_018122.5(DARS2):c.1173_1179del (p.Ala392fs)

Gene: DARS2 (aspartyl-tRNA synthetase 2, mitochondrial; plus strand). Cytogenetic location: 1q25.1.
Variant type: Deletion.
Coding change: c.1173_1179del on transcript NM_018122.5 (MANE Select); coding-DNA positions 1173 to 1179, 7 bases deleted (AGCTGAC; older notation c.1173_1179delAGCTGAC).
Protein change: p.Ala392fs; shifts the reading frame from alanine 392.
Molecular consequence: frameshift variant.
Genome position (GRCh38, 1-based): chr1:173,845,273-173,845,279, AGCTGAC deleted; deleting any 7 consecutive bases within chr1:173,845,272-173,845,279 gives the same sequence; the c. name uses the placement nearest the transcript's 3' end. VCF-style (leftmost placement, unchanged base first): chr1-173845271-GCAGCTGA-G. GRCh37 (hg19) VCF-style: chr1-173814409-GCAGCTGA-G.
Other names: NM_018122.5(DARS2):c.1173_1179del; p.Ala392fs; c.1173_1179del, p.Ala392fs (NM_001365212.1, NM_001365213.2); short protein forms A392fs.
Identifiers: ClinVar variation 1324208 (VCV001324208.8), dbSNP rs770447116, ClinGen allele CA1250332.

ClinVar aggregate classification (germline): Pathogenic/Likely pathogenic. Review status: criteria provided, multiple submitters, no conflicts (2 of 4 stars). 2 submissions from 2 submitters: Pathogenic (1); Likely pathogenic (1). Last evaluated 2025-01-22.

Conditions:
Leukoencephalopathy with brain stem and spinal cord involvement-high lactate syndrome (LBSL). Also called: Leukoencephalopathy with Brainstem and Spinal Cord Involvement and Lactate Elevation; MITOCHONDRIAL ASPARTYL-tRNA SYNTHETASE DEFICIENCY; LEUKOENCEPHALOPATHY WITH BRAINSTEM AND SPINAL CORD INVOLVEMENT AND LACTATE ELEVATION, MILD. Identifiers: Orphanet 137898, MedGen C1970180, MONDO:0012622, OMIM 611105.

Submissions (2):

Broad Center for Mendelian Genomics, Broad Institute of MIT and Harvard
Classification: Likely pathogenic for Leukoencephalopathy with brain stem and spinal cord involvement-high lactate syndrome. Last evaluated: 2025-01-22. Review status: criteria provided, single submitter. Criteria: ACMG Guidelines, 2015. Collection method: curation. Allele origin: germline. Inheritance: Autosomal recessive inheritance.
Comment: The p.Ala392IlefsTer25 variant in DARS2 has not been previously reported in the literature in individuals with leukoencephalopathy with brain stem and spinal cord involvement-high lactate syndrome, and has been identified in 0.006% (2/34558) of Latino/Admixed American chromosomes by the Genome Aggregation Database (gnomAD; dbSNP rs770447116). Although this variant has been seen in the general population in a heterozygous state, its frequency is low enough to be consistent with a recessive carrier frequency. This variant has also been reported in ClinVar (Variation ID: 1324208) and has been interpreted as pathogenic by Invitae. This variant is predicted to cause a frameshift, which alters the protein's amino acid sequence beginning at position 392 and leads to a premature termination codon 25 amino acids downstream. This alteration is then predicted to lead to a truncated or absent protein. Loss of function of the DARS2 gene is an established disease mechanism in autosomal recessive leukoencephalopathy with brain stem and spinal cord involvement-high lactate syndrome. In summary, although additional studies are required to fully establish its clinical significance, this variant is likely pathogenic for leukoencephalopathy with brain stem and spinal cord involvement-high lactate syndrome. ACMG/AMP Criteria applied: PVS1, PM2_supporting (Richards 2015).

Labcorp Genetics (formerly Invitae), Labcorp
Classification: Pathogenic. Last evaluated: 2021-12-03. Review status: criteria provided, single submitter. Criteria: Invitae Variant Classification Sherloc (09022015). Collection method: clinical testing. Allele origin: germline.
Comment: This sequence change creates a premature translational stop signal (p.Ala392Ilefs*25) in the DARS2 gene. It is expected to result in an absent or disrupted protein product. Loss-of-function variants in DARS2 are known to be pathogenic (PMID: 17384640, 24566671). This variant is present in population databases (rs770447116, gnomAD 0.009%). This variant has not been reported in the literature in individuals affected with DARS2-related conditions. For these reasons, this variant has been classified as Pathogenic.

Literature cited by the submitters: PubMed 17384640 (cited by Labcorp Genetics (formerly Invitae), Labcorp); PubMed 24566671 (cited by Labcorp Genetics (formerly Invitae), Labcorp).